The following is an entry in ClinVar:

NM_182961.4(SYNE1):c.310-552A>G

Gene: SYNE1 (spectrin repeat containing nuclear envelope protein 1; minus strand). Cytogenetic location: 6q25.2.
Variant type: single nucleotide variant.
Coding change: c.310-552A>G on transcript NM_182961.4 (MANE Select); 552 bases into the intron before coding-DNA position 310, A replaced by G.
Molecular consequence: intron variant.
Genome position (GRCh38, 1-based): chr6:152,511,655, T>C on the plus strand (A>G on the coding strand, the complement: SYNE1 is on the minus strand). VCF-style: chr6-152511655-T-C. GRCh37 (hg19) VCF-style: chr6-152832790-T-C.
Other names: c.310-64A>G (NM_033071.5).
Identifiers: ClinVar variation 675448 (VCV000675448.1), dbSNP rs17842544, ClinGen allele CA150244520.

ClinVar aggregate classification (germline): Benign (1 of 4 stars; one submission).

Allele frequency attached by ClinVar (database versions not stated): gnomAD exomes 0.00211; ESP Exome Variant Server 0.02152; gnomAD 0.02220 and 0.02366; TOPMed 0.02475; 1000 Genomes Project 0.02815; 1000 Genomes Project 30x 0.02873.
gnomAD v4.1: 6,452 of 1,533,032 alleles (0.42%); highest among the groups gnomAD compares: African/African-American, 7.6%; 239 homozygotes.

Submission:

GeneDx
Classification: Benign. Last evaluated: 2018-06-19. Review status: criteria provided, single submitter. Criteria: GeneDx Variant Classification (06012015). Collection method: clinical testing. Allele origin: germline. Affected: yes.
Comment: This variant is considered likely benign or benign based on one or more of the following criteria: it is a conservative change, it occurs at a poorly conserved position in the protein, it is predicted to be benign by multiple in silico algorithms, and/or has population frequency not consistent with disease.